The following is an entry in ClinVar:

NC_000023.10:g.(?_32481536)_(32563471_?)del

Gene: DMD (dystrophin; minus strand). Cytogenetic location: Xp21.1.
Variant type: Deletion.
Identifiers: ClinVar variation 2424895 (VCV002424895.5).

ClinVar aggregate classification (germline): Pathogenic (1 of 4 stars; one submission).

Conditions:
Duchenne muscular dystrophy (DMD). Also called: Duchenne Muscular Dystrophy (DMD); MUSCULAR DYSTROPHY, PSEUDOHYPERTROPHIC PROGRESSIVE, DUCHENNE TYPE. Identifiers: Orphanet 98896, MedGen C0013264, MONDO:0010679, OMIM 310200.

Submission:

Labcorp Genetics (formerly Invitae), Labcorp
Classification: Pathogenic for Duchenne muscular dystrophy. Last evaluated: 2022-08-19. Review status: criteria provided, single submitter. Criteria: Invitae Variant Classification Sherloc (09022015). Collection method: clinical testing. Allele origin: germline.
Comment: For these reasons, this variant has been classified as Pathogenic. This variant disrupts a region of the DMD protein in which other variant(s) (Deletion (Exon 17-18)) have been determined to be pathogenic (PMID: 25007885). This suggests that this is a clinically significant region of the protein, and that variants that disrupt it are likely to be disease-causing. This variant has not been reported in the literature in individuals affected with DMD-related conditions. This variant is a gross deletion of the genomic region encompassing exon(s) 17-25 of the DMD gene. This variant would be expected to be in-frame, preserving the integrity of the reading frame.

Literature cited by the submitters: PubMed 25007885.